The following is an entry in ClinVar:

ClinVar aggregate classification (germline): Uncertain significance (1 of 4 stars; one submission).

Conditions:
Developmental and epileptic encephalopathy, 34 (DEE34). Also called: SLC12A5-Related Epilepsy of Infancy with Migrating Focal Seizures; Early infantile epileptic encephalopathy 34. Identifiers: Orphanet 293181, MedGen C4225257, MONDO:0014718, OMIM 616645.

Submission:

Labcorp Genetics (formerly Invitae), Labcorp
Classification: Uncertain significance for Developmental and epileptic encephalopathy, 34. Last evaluated: 2022-05-17. Review status: criteria provided, single submitter. Criteria: Invitae Variant Classification Sherloc (09022015). Collection method: clinical testing. Allele origin: germline.
Comment: This sequence change falls in intron 25 of the SLC12A5 gene. It does not directly change the encoded amino acid sequence of the SLC12A5 protein. It affects a nucleotide within the consensus splice site. This variant is not present in population databases (gnomAD no frequency). This variant has not been reported in the literature in individuals affected with SLC12A5-related conditions. Variants that disrupt the consensus splice site are a relatively common cause of aberrant splicing (PMID: 17576681, 9536098). Algorithms developed to predict the effect of sequence changes on RNA splicing suggest that this variant is not likely to affect RNA splicing. In summary, the available evidence is currently insufficient to determine the role of this variant in disease. Therefore, it has been classified as a Variant of Uncertain Significance.

Literature cited by the submitters: PubMed 17576681; PubMed 9536098.

NM_020708.5(SLC12A5):c.3260-3C>G

Genes: SLC12A5 (solute carrier family 12 member 5; plus strand), LOC113960611 (Sharpr-MPRA regulatory region 3425; plus strand). Cytogenetic location: 20q13.12.
Variant type: single nucleotide variant.
Coding change: c.3260-3C>G on transcript NM_020708.5 (MANE Select); 3 bases into the intron before coding-DNA position 3260, C replaced by G.
Molecular consequence: intron variant.
Genome position (GRCh38, 1-based): chr20:46,057,511, C>G. VCF-style: chr20-46057511-C-G. GRCh37 (hg19) VCF-style: chr20-44686150-C-G.
Other names: c.3329-3C>G (NM_001134771.2).
Identifiers: ClinVar variation 1995551 (VCV001995551.1), dbSNP rs762852631, ClinGen allele CA2580098275.